The following is an entry in ClinVar:

NM_001267550.2(TTN):c.29185del (p.Val9729fs)

Gene: TTN (titin; minus strand). Cytogenetic location: 2q31.2.
Variant type: Deletion.
Coding change: c.29185del on transcript NM_001267550.2 (MANE Select); coding-DNA position 29185, one base deleted (G; older notation c.29185delG).
Protein change: p.Val9729fs; shifts the reading frame from valine 9729.
Molecular consequence: frameshift variant. On other transcripts: intron variant (3).
Genome position (GRCh38, 1-based): chr2:178,706,689, C deleted on the plus strand (G on the coding strand, the reverse complement: TTN is on the minus strand). VCF-style (leftmost placement, unchanged base first): chr2-178706688-AC-A. GRCh37 (hg19) VCF-style: chr2-179571415-AC-A.
Other names: c.28234del, p.Val9412fs (NM_001256850.1); c.25453del, p.Val8485fs (NM_133378.4); c.13282+31393del (NM_003319.4); c.13858+31393del (NM_133437.4); c.13657+31393del (NM_133432.3); short protein forms V8485fs, V9412fs, V9729fs.
Identifiers: ClinVar variation 4786309 (VCV004786309.1).

ClinVar aggregate classification (germline): Likely pathogenic (1 of 4 stars; one submission).

Conditions:
Autosomal recessive limb-girdle muscular dystrophy type 2J (LGMDR10). Also called: Limb-girdle muscular dystrophy, type 2J; MUSCULAR DYSTROPHY, LIMB-GIRDLE, AUTOSOMAL RECESSIVE 10. Identifiers: Orphanet 140922, MedGen C1837342, MONDO:0012127, OMIM 608807.
Dilated cardiomyopathy 1G (CMD1G). Identifiers: Orphanet 154, MedGen C1858763, MONDO:0011400, OMIM 604145.

Submission:

Labcorp Genetics (formerly Invitae), Labcorp
Classification: Likely pathogenic for Dilated cardiomyopathy 1G; Autosomal recessive limb-girdle muscular dystrophy type 2J. Last evaluated: 2025-10-03. Review status: criteria provided, single submitter. Criteria: Invitae Variant Classification Sherloc (09022015). Collection method: clinical testing. Allele origin: germline.
Comment: This sequence change creates a premature translational stop signal (p.Val9729Leufs*11) in the TTN gene. While this is not anticipated to result in nonsense mediated decay, it is expected to create a truncated TTN protein. This variant is not present in population databases (gnomAD no frequency). This variant has not been reported in the literature in individuals affected with TTN-related conditions. This variant is located in the I band of TTN (PMID: 25589632). Truncating variants in this region have been reported in individuals affected with autosomal recessive centronuclear myopathy (PMID: 23975875, internal data). Truncating variants in this region have also been identified in individuals affected with autosomal dominant dilated cardiomyopathy and/or cardio-related conditions (PMID: 27869827, 32964742, internal data). In summary, the currently available evidence indicates that the variant is pathogenic, but additional data are needed to prove that conclusively. Therefore, this variant has been classified as Likely Pathogenic.

Literature cited by the submitters: PubMed 25589632; PubMed 23975875; PubMed 27869827; PubMed 32964742.